The following is an entry in ClinVar:

ClinVar aggregate classification (germline): Likely pathogenic (1 of 4 stars; one submission).

Conditions:
Hereditary angioedema types I and II.

gnomAD v4.1: 1 of 1,614,168 alleles (0.000062%); highest among the groups gnomAD compares: Non-Finnish European, 0.000085%; no homozygotes.

Submission:

North West Genomic Laboratory Hub, Manchester University NHS Foundation Trust
Classification: Likely pathogenic for Hereditary angioedema types I and II. Last evaluated: 2025-09-01. Review status: criteria provided, single submitter. Criteria: ACGS Best Practice Guidelines for Variant Classification in Rare Disease 2024. Collection method: clinical testing. Allele origin: germline. Affected: yes.
Comment: PM1_Mod PS4_Supp PP3_Supp PP4_Supp PM2_Mod

NM_000062.3(SERPING1):c.878T>G (p.Ile293Ser)

Gene: SERPING1 (serpin family G member 1; plus strand). Cytogenetic location: 11q12.1.
Variant type: single nucleotide variant.
Coding change: c.878T>G on transcript NM_000062.3 (MANE Select); coding-DNA position 878, T replaced by G.
Protein change: p.Ile293Ser; replaces isoleucine 293 with serine.
Molecular consequence: missense variant.
Genome position (GRCh38, 1-based): chr11:57,606,202, T>G. VCF-style: chr11-57606202-T-G. GRCh37 (hg19) VCF-style: chr11-57373675-T-G.
Other names: c.878T>G, p.Ile293Ser (NM_001032295.2); short protein forms I293S.
Identifiers: ClinVar variation 4871727 (VCV004871727.1).